The following is an entry in ClinVar:

ClinVar aggregate classification (germline): Pathogenic (1 of 4 stars; one submission).

Conditions:
Neurofibromatosis, type 1 (NF1). Also called: NEUROFIBROMATOSIS, TYPE I, SOMATIC; VON RECKLINGHAUSEN DISEASE; Peripheral type neurofibromatosis; Neurofibromatosis, type I. Identifiers: Orphanet 636, MedGen C0027831, MONDO:0018975, OMIM 162200. Disease mechanism: loss of function.

Submission:

Labcorp Genetics (formerly Invitae), Labcorp
Classification: Pathogenic for Neurofibromatosis, type 1. Last evaluated: 2025-10-23. Review status: criteria provided, single submitter. Criteria: Invitae Variant Classification Sherloc (09022015). Collection method: clinical testing. Allele origin: germline.
Comment: This sequence change creates a premature translational stop signal (p.Asn1482Metfs*71) in the NF1 gene. It is expected to result in an absent or disrupted protein product. Loss-of-function variants in NF1 are known to be pathogenic (PMID: 10712197, 23913538). This variant is not present in population databases (gnomAD no frequency). This variant has not been reported in the literature in individuals affected with NF1-related conditions. For these reasons, this variant has been classified as Pathogenic.

Literature cited by the submitters: PubMed 10712197; PubMed 23913538.

NM_001042492.3(NF1):c.4506del (p.Asn1503fs)

Gene: NF1 (neurofibromin 1; plus strand). Cytogenetic location: 17q11.2.
Variant type: Deletion.
Coding change: c.4506del on transcript NM_001042492.3 (MANE Select); coding-DNA position 4506, one base deleted (C; older notation c.4506delC).
Protein change: p.Asn1503fs; shifts the reading frame from asparagine 1503.
Molecular consequence: frameshift variant.
Genome position (GRCh38, 1-based): chr17:31,260,444, C deleted. VCF-style (leftmost placement, unchanged base first): chr17-31260443-GC-G. GRCh37 (hg19) VCF-style: chr17-29587461-GC-G.
Other names: c.4443del, p.Asn1482fs (NM_000267.4); short protein forms N1503fs, N1482fs.
Identifiers: ClinVar variation 4725048 (VCV004725048.1).